The following is an entry in ClinVar:

NM_198334.3(GANAB):c.1904G>A (p.Ser635Asn)

Gene: GANAB (glucosidase II alpha subunit; minus strand). Cytogenetic location: 11q12.3.
Variant type: single nucleotide variant.
Coding change: c.1904G>A on transcript NM_198334.3 (MANE Select); coding-DNA position 1904, G replaced by A.
Protein change: p.Ser635Asn; replaces serine 635 with asparagine.
Molecular consequence: missense variant.
Genome position (GRCh38, 1-based): chr11:62,629,226, C>T on the plus strand (G>A on the coding strand, the complement: GANAB is on the minus strand). VCF-style: chr11-62629226-C-T. GRCh37 (hg19) VCF-style: chr11-62396698-C-T.
Other names: c.1628G>A, p.Ser543Asn (NM_001278192.2); c.1562G>A, p.Ser521Asn (NM_001278193.2); c.1613G>A, p.Ser538Asn (NM_001278194.2, NM_001329222.2, NM_001329223.2); c.1181G>A, p.Ser394Asn (NM_001329224.2, NM_001329225.2); c.1970G>A, p.Ser657Asn (NM_198335.4); short protein forms S394N, S538N, S543N, S635N, S657N, S521N.
Identifiers: ClinVar variation 2828770 (VCV002828770.3), dbSNP rs1463523799, ClinGen allele CA380991302.

ClinVar aggregate classification (germline): Uncertain significance (1 of 4 stars; one submission).

Submission:

Labcorp Genetics (formerly Invitae), Labcorp
Classification: Uncertain significance. Last evaluated: 2024-01-02. Review status: criteria provided, single submitter. Criteria: Invitae Variant Classification Sherloc (09022015). Collection method: clinical testing. Allele origin: germline.
Comment: This sequence change replaces serine, which is neutral and polar, with asparagine, which is neutral and polar, at codon 657 of the GANAB protein (p.Ser657Asn). This variant is not present in population databases (gnomAD no frequency). This variant has not been reported in the literature in individuals affected with GANAB-related conditions. Advanced modeling of protein sequence and biophysical properties (such as structural, functional, and spatial information, amino acid conservation, physicochemical variation, residue mobility, and thermodynamic stability) performed at Invitae indicates that this missense variant is not expected to disrupt GANAB protein function with a negative predictive value of 80%. In summary, the available evidence is currently insufficient to determine the role of this variant in disease. Therefore, it has been classified as a Variant of Uncertain Significance.